The following is an entry in ClinVar:

NM_020738.4(KIDINS220):c.2829T>C (p.Leu943=)

Gene: KIDINS220 (kinase D interacting substrate 220; minus strand). Cytogenetic location: 2p25.1.
Variant type: single nucleotide variant.
Coding change: c.2829T>C on transcript NM_020738.4 (MANE Select); coding-DNA position 2829, T replaced by C.
Protein change: p.Leu943=; no amino-acid change (leucine 943 retained).
Molecular consequence: synonymous variant. On other transcripts: non-coding transcript variant (2).
Genome position (GRCh38, 1-based): chr2:8,776,767, A>G on the plus strand (T>C on the coding strand, the complement: KIDINS220 is on the minus strand). VCF-style: chr2-8776767-A-G. GRCh37 (hg19) VCF-style: chr2-8916897-A-G.
Other names: c.2832T>C, p.Leu944= (NM_001348729.2, NM_001348731.2, NM_001348734.2 and 3 more transcripts); c.2829T>C, p.Leu943= (NM_001348732.2, NM_001348735.2, NM_001348738.2 and 3 more transcripts); c.2703T>C, p.Leu901= (NM_001348736.2).
Identifiers: ClinVar variation 3905747 (VCV003905747.10).

ClinVar aggregate classification (germline): Likely benign (1 of 4 stars; one submission).

Submission:

CeGaT Center for Human Genetics Tuebingen
Classification: Likely benign. Last evaluated: 2025-04-01. Review status: criteria provided, single submitter. Criteria: CeGaT Center For Human Genetics Tuebingen Variant Classification Criteria Version 2. Collection method: clinical testing. Allele origin: germline. Affected: yes. Observed: 1 variant allele.
Comment: KIDINS220: PM2:Supporting, BP4, BP7